The following is an entry in ClinVar:

NM_000152.5(GAA):c.2743C>T (p.Gln915Ter)

Gene: GAA (alpha glucosidase; plus strand). Cytogenetic location: 17q25.3.
Variant type: single nucleotide variant.
Coding change: c.2743C>T on transcript NM_000152.5 (MANE Select); coding-DNA position 2743, C replaced by T.
Protein change: p.Gln915Ter; replaces glutamine 915 with a stop codon.
Molecular consequence: nonsense.
Genome position (GRCh38, 1-based): chr17:80,118,749, C>T. VCF-style: chr17-80118749-C-T. GRCh37 (hg19) VCF-style: chr17-78092548-C-T.
Other names: c.2743C>T, p.Gln915Ter (NM_001079803.3, NM_001079804.3, NM_001406741.1 and 1 more transcripts); short protein forms Q915*.
Identifiers: ClinVar variation 2869228 (VCV002869228.3), dbSNP rs2510404730, ClinGen allele CA401327142.

ClinVar aggregate classification (germline): Pathogenic (1 of 4 stars; one submission).

Conditions:
Glycogen storage disease, type II (IOPD). Also called: Pompe Disease; POMPE DISEASE, INFANTILE-ONSET; GLYCOGEN STORAGE DISEASE II, INFANTILE-ONSET; ACID ALPHA-GLUCOSIDASE DEFICIENCY, INFANTILE-ONSET; GAA DEFICIENCY, INFANTILE-ONSET; ACID MALTASE DEFICIENCY, INFANTILE-ONSET. Identifiers: Orphanet 365, MedGen C0017921, MONDO:0009290, OMIM 232300.

Submission:

Labcorp Genetics (formerly Invitae), Labcorp
Classification: Pathogenic for Glycogen storage disease, type II. Last evaluated: 2023-09-26. Review status: criteria provided, single submitter. Criteria: Invitae Variant Classification Sherloc (09022015). Collection method: clinical testing. Allele origin: germline.
Comment: For these reasons, this variant has been classified as Pathogenic. This variant has not been reported in the literature in individuals affected with GAA-related conditions. This variant is not present in population databases (gnomAD no frequency). This sequence change creates a premature translational stop signal (p.Gln915*) in the GAA gene. It is expected to result in an absent or disrupted protein product. Loss-of-function variants in GAA are known to be pathogenic (PMID: 18425781, 22252923).

Literature cited by the submitters: PubMed 18425781; PubMed 22252923.